The following is an entry in ClinVar:

NM_032043.3(BRIP1):c.1055A>G (p.Tyr352Cys)

Gene: BRIP1 (BRCA1 interacting DNA helicase 1; minus strand). Cytogenetic location: 17q23.2.
Variant type: single nucleotide variant.
Coding change: c.1055A>G on transcript NM_032043.3 (MANE Select); coding-DNA position 1055, A replaced by G.
Protein change: p.Tyr352Cys; replaces tyrosine 352 with cysteine.
Molecular consequence: missense variant.
Genome position (GRCh38, 1-based): chr17:61,801,338, T>C on the plus strand (A>G on the coding strand, the complement: BRIP1 is on the minus strand). VCF-style: chr17-61801338-T-C. GRCh37 (hg19) VCF-style: chr17-59878699-T-C.
Other names: short protein forms Y352C.
Identifiers: ClinVar variation 860701 (VCV000860701.14), dbSNP rs762417690, ClinGen allele CA8690813.

ClinVar aggregate classification (germline): Uncertain significance. Review status: criteria provided, multiple submitters, no conflicts (2 of 4 stars). 3 submissions from 3 submitters: Uncertain significance (3). Last evaluated 2025-12-23.

Conditions:
Hereditary cancer-predisposing syndrome. Also called: Hereditary neoplastic syndrome; Tumor predisposition; Neoplastic Syndromes, Hereditary; Hereditary Cancer Syndrome. Identifiers: Orphanet 140162, MedGen C0027672, MeSH D009386, MONDO:0015356.
Fanconi anemia complementation group J. Also called: BRIP1-Related Fanconi Anemia. Identifiers: Orphanet 84, MedGen C1836860, MONDO:0012187, OMIM 609054.
Familial cancer of breast. Also called: hereditary breast carcinoma; BREAST CANCER, FAMILIAL; Hereditary breast cancer. Identifiers: Orphanet 227535, MedGen C0346153, MONDO:0016419, OMIM 114480. Disease mechanism: loss of function.

Allele frequency attached by ClinVar (database versions not stated): gnomAD 0.00001; gnomAD exomes 0.00001; ExAC 0.00002.
gnomAD v4.1: 3 of 1,613,964 alleles (0.00019%); highest among the groups gnomAD compares: Non-Finnish European, 0.00025%; no homozygotes.

Submissions (3):

Labcorp Genetics (formerly Invitae), Labcorp
Classification: Uncertain significance for Familial cancer of breast; Fanconi anemia complementation group J. Last evaluated: 2025-12-23. Review status: criteria provided, single submitter. Criteria: Invitae Variant Classification Sherloc (09022015). Collection method: clinical testing. Allele origin: germline.
Comment: This sequence change replaces tyrosine, which is neutral and polar, with cysteine, which is neutral and slightly polar, at codon 352 of the BRIP1 protein (p.Tyr352Cys). This variant is present in population databases (rs762417690, gnomAD 0.002%). This variant has not been reported in the literature in individuals affected with BRIP1-related conditions. ClinVar contains an entry for this variant (Variation ID: 860701). Invitae Evidence Modeling of protein sequence and biophysical properties (such as structural, functional, and spatial information, amino acid conservation, physicochemical variation, residue mobility, and thermodynamic stability) indicates that this missense variant is expected to disrupt BRIP1 protein function with a positive predictive value of 95%. In summary, the available evidence is currently insufficient to determine the role of this variant in disease. Therefore, it has been classified as a Variant of Uncertain Significance.

Fulgent Genetics
Classification: Uncertain significance for Familial cancer of breast; Fanconi anemia complementation group J. Last evaluated: 2024-02-04. Review status: criteria provided, single submitter. Criteria: ACMG Guidelines, 2015. Collection method: clinical testing. Allele origin: germline.

Ambry Genetics
Classification: Uncertain significance for Hereditary cancer-predisposing syndrome. Last evaluated: 2021-06-08. Review status: criteria provided, single submitter. Criteria: Ambry Variant Classification Scheme 2023. Collection method: clinical testing. Allele origin: germline.
Comment: The p.Y352C variant (also known as c.1055A>G), located in coding exon 7 of the BRIP1 gene, results from an A to G substitution at nucleotide position 1055. The tyrosine at codon 352 is replaced by cysteine, an amino acid with highly dissimilar properties. This variant was reported in 1/60,466 breast cancer cases and in 1/53,461 controls (Dorling et al. N Engl J Med. 2021 02;384:428-439). This amino acid position is highly conserved in available vertebrate species. In addition, this alteration is predicted to be deleterious by in silico analysis. Since supporting evidence is limited at this time, the clinical significance of this alteration remains unclear.

Literature cited by the submitters: PubMed 33471991 (cited by Ambry Genetics).